The following is an entry in ClinVar:

ClinVar aggregate classification (germline): Uncertain significance (1 of 4 stars; one submission).

Submission:

Labcorp Genetics (formerly Invitae), Labcorp
Classification: Uncertain significance. Last evaluated: 2024-03-03. Review status: criteria provided, single submitter. Criteria: Invitae Variant Classification Sherloc (09022015). Collection method: clinical testing. Allele origin: germline.
Comment: This sequence change falls in intron 6 of the LOX gene. It does not directly change the encoded amino acid sequence of the LOX protein. This variant is not present in population databases (gnomAD no frequency). This variant has not been reported in the literature in individuals affected with LOX-related conditions. Algorithms developed to predict the effect of sequence changes on RNA splicing suggest that this variant may disrupt the consensus splice site. In summary, the available evidence is currently insufficient to determine the role of this variant in disease. Therefore, it has been classified as a Variant of Uncertain Significance.

NM_002317.7(LOX):c.1248-14T>A

Genes: LOX (lysyl oxidase; minus strand), SRFBP1 (serum response factor binding protein 1; plus strand). Cytogenetic location: 5q23.1.
Variant type: single nucleotide variant.
Coding change: c.1248-14T>A on transcript NM_002317.7 (MANE Select); 14 bases into the intron before coding-DNA position 1248, T replaced by A.
Molecular consequence: intron variant.
Genome position (GRCh38, 1-based): chr5:122,066,763, A>T on the plus strand (T>A on the coding strand, the complement: LOX is on the minus strand). VCF-style: chr5-122066763-A-T. GRCh37 (hg19) VCF-style: chr5-121402458-A-T.
Other names: c.558-14T>A (NM_001178102.2); c.357-14T>A (NM_001317073.1).
Identifiers: ClinVar variation 3644293 (VCV003644293.2).